The following is an entry in ClinVar:

NM_153717.3(EVC):c.1312C>T (p.Arg438Trp)

Gene: EVC (EvC ciliary complex subunit 1; plus strand). Cytogenetic location: 4p16.2.
Variant type: single nucleotide variant.
Coding change: c.1312C>T on transcript NM_153717.3 (MANE Select); coding-DNA position 1312, C replaced by T.
Protein change: p.Arg438Trp; replaces arginine 438 with tryptophan.
Molecular consequence: missense variant.
Genome position (GRCh38, 1-based): chr4:5,753,049, C>T. VCF-style: chr4-5753049-C-T. GRCh37 (hg19) VCF-style: chr4-5754776-C-T.
Other names: c.1312C>T, p.Arg438Trp (NM_001306090.2, NM_001306092.2); c.1312C>T (NM_153717.2); short protein forms R438W.
Identifiers: ClinVar variation 2053748 (VCV002053748.2), dbSNP rs754239541, ClinGen allele CA2836052.

ClinVar aggregate classification (germline): Uncertain significance. Review status: criteria provided, multiple submitters, no conflicts (2 of 4 stars). 2 submissions from 2 submitters: Uncertain significance (2). Last evaluated 2025-08-05.

Conditions:
Inborn genetic diseases. Identifiers: MedGen C0950123, MeSH D030342.
Ellis-van Creveld syndrome (EVC). Also called: Chondroectodermal dysplasia; MESOECTODERMAL DYSPLASIA; EVC-Related Ellis-van Creveld Syndrome; EVC2-Related Ellis-van Creveld Syndrome. Identifiers: Orphanet 289, MedGen C0013903, MONDO:0009162, OMIM 225500.
Curry-Hall syndrome (WAD). Also called: WEYERS ACRODENTAL DYSOSTOSIS. Identifiers: Orphanet 952, MedGen C0457013, MONDO:0008673, OMIM 193530.

Allele frequency attached by ClinVar (database versions not stated): ExAC 0.00004.
gnomAD v4.1: 33 of 1,588,000 alleles (0.0021%); highest among the groups gnomAD compares: Admixed American, 0.011%; no homozygotes.

Submissions (2):

Ambry Genetics
Classification: Uncertain significance for Inborn genetic diseases. Last evaluated: 2025-08-05. Review status: criteria provided, single submitter. Criteria: Ambry Variant Classification Scheme 2023. Collection method: clinical testing. Allele origin: germline.

Labcorp Genetics (formerly Invitae), Labcorp
Classification: Uncertain significance for Curry-Hall syndrome; Ellis-van Creveld syndrome. Last evaluated: 2021-10-22. Review status: criteria provided, single submitter. Criteria: Invitae Variant Classification Sherloc (09022015). Collection method: clinical testing. Allele origin: germline.
Comment: This sequence change replaces arginine with tryptophan at codon 438 of the EVC protein (p.Arg438Trp). The arginine residue is moderately conserved and there is a moderate physicochemical difference between arginine and tryptophan. This variant is present in population databases (rs754239541, ExAC 0.008%). This variant has not been reported in the literature in individuals with EVC-related conditions. Algorithms developed to predict the effect of missense changes on protein structure and function are either unavailable or do not agree on the potential impact of this missense change (SIFT: "Deleterious"; PolyPhen-2: "Probably Damaging"; Align-GVGD: "Class C0"). In summary, the available evidence is currently insufficient to determine the role of this variant in disease. Therefore, it has been classified as a Variant of Uncertain Significance.